The following is an entry in ClinVar:

ClinVar aggregate classification (germline): Pathogenic (1 of 4 stars; one submission).

Submission:

Labcorp Genetics (formerly Invitae), Labcorp
Classification: Pathogenic. Last evaluated: 2021-07-28. Review status: criteria provided, single submitter. Criteria: Invitae Variant Classification Sherloc (09022015). Collection method: clinical testing. Allele origin: germline.
Comment: For these reasons, this variant has been classified as Pathogenic. Algorithms developed to predict the effect of sequence changes on RNA splicing suggest that this variant may create or strengthen a splice site. Advanced modeling of protein sequence and biophysical properties (such as structural, functional, and spatial information, amino acid conservation, physicochemical variation, residue mobility, and thermodynamic stability) performed at Invitae indicates that this missense variant is expected to disrupt OPA1 protein function. This variant is also known as c.1189A>G (p.Lys397Glu). This missense change has been observed in individual(s) with autosomal dominant optic atrophy (PMID: 27265430). In at least one individual the variant was observed to be de novo. This variant is not present in population databases (ExAC no frequency). This sequence change replaces lysine with glutamic acid at codon 415 of the OPA1 protein (p.Lys415Glu). The lysine residue is highly conserved and there is a small physicochemical difference between lysine and glutamic acid.

Literature cited by the submitters: PubMed 27265430.

NM_130837.3(OPA1):c.1408A>G (p.Lys470Glu)

Gene: OPA1 (OPA1 mitochondrial dynamin like GTPase; plus strand). Cytogenetic location: 3q29.
Variant type: single nucleotide variant.
Coding change: c.1408A>G on transcript NM_130837.3 (MANE Select); coding-DNA position 1408, A replaced by G.
Protein change: p.Lys470Glu; replaces lysine 470 with glutamic acid.
Molecular consequence: missense variant.
Genome position (GRCh38, 1-based): chr3:193,643,558, A>G. VCF-style: chr3-193643558-A-G. GRCh37 (hg19) VCF-style: chr3-193361347-A-G.
Other names: c.874A>G, p.Lys292Glu (NM_001354663.2); c.871A>G, p.Lys291Glu (NM_001354664.2); c.1243A>G, p.Lys415Glu (NM_015560.3); c.1135A>G, p.Lys379Glu (NM_130831.3); c.1189A>G, p.Lys397Glu (NM_130832.3); c.1246A>G, p.Lys416Glu (NM_130833.3); c.1297A>G, p.Lys433Glu (NM_130834.3); c.1300A>G, p.Lys434Glu (NM_130835.3); and 1 more; short protein forms K379E, K397E, K416E, K433E, K292E, K415E, K452E, K470E.
Identifiers: ClinVar variation 1451185 (VCV001451185.6), dbSNP rs2109044398, ClinGen allele CA355789509.